The following is an entry in ClinVar:

NM_138927.4(SON):c.3287dup (p.Tyr1096Ter)

Gene: SON (SON DNA and RNA binding protein; plus strand). Cytogenetic location: 21q22.11.
Variant type: Duplication.
Coding change: c.3287dup on transcript NM_138927.4 (MANE Select); coding-DNA position 3287, one base duplicated (A; older notation c.3287dupA).
Protein change: p.Tyr1096Ter; replaces tyrosine 1096 with a stop codon.
Molecular consequence: nonsense. On other transcripts: frameshift variant (3), non-coding transcript variant (1), intron variant (1).
Genome position (GRCh38, 1-based): chr21:33,552,518, A duplicated. VCF-style (leftmost placement, unchanged base first): chr21-33552517-T-TA. GRCh37 (hg19) VCF-style: chr21-34924823-T-TA.
Other names: c.3287dup, p.Tyr1096Ter (NM_001291411.2, NM_032195.3); c.3287dup, p.Tyr1096Terfs (NM_001412133.1, NM_058183.2, NM_138926.1); c.245-4638dup (NM_001291412.3); short protein forms Y1096*.
Identifiers: ClinVar variation 2276959 (VCV002276959.2), dbSNP rs2517370239, ClinGen allele CA2580098615.

ClinVar aggregate classification (germline): Pathogenic (1 of 4 stars; one submission).

Conditions:
Inborn genetic diseases. Identifiers: MedGen C0950123, MeSH D030342.

Submission:

Ambry Genetics
Classification: Pathogenic for Inborn genetic diseases. Last evaluated: 2022-03-18. Review status: criteria provided, single submitter. Criteria: Ambry Variant Classification Scheme 2023. Collection method: clinical testing. Allele origin: germline.
Comment: The c.3287dupA (p.Y1096*) alteration, located in exon 3 (coding exon 3) of the SON gene, consists of a duplication of A at position 3287. This changes the amino acid from a tyrosine (Y) to a stop codon at amino acid position 1096. This alteration is expected to result in loss of function by premature protein truncation or nonsense-mediated mRNA decay. This variant was not reported in population-based cohorts in the Genome Aggregation Database (gnomAD). Based on the available evidence, this alteration is classified as pathogenic.